The following is an entry in ClinVar:

NM_032930.3(CFAP300):c.353A>G (p.Asp118Gly)

Gene: CFAP300 (cilia and flagella associated protein 300; plus strand). Cytogenetic location: 11q22.1.
Variant type: single nucleotide variant.
Coding change: c.353A>G on transcript NM_032930.3 (MANE Select); coding-DNA position 353, A replaced by G.
Protein change: p.Asp118Gly; replaces aspartic acid 118 with glycine.
Molecular consequence: missense variant. On other transcripts: intron variant (1).
Genome position (GRCh38, 1-based): chr11:102,066,569, A>G. VCF-style: chr11-102066569-A-G. GRCh37 (hg19) VCF-style: chr11-101937300-A-G.
Other names: c.353A>G, p.Asp118Gly (NM_001363505.2); c.268+7614A>G (NM_001195005.2); short protein forms D118G.
Identifiers: ClinVar variation 3340161 (VCV003340161.3).

ClinVar aggregate classification (germline): Conflicting classifications of pathogenicity. Review status: criteria provided, conflicting classifications (1 of 4 stars). 3 submissions from 1 submitter: Likely pathogenic (2); Uncertain significance (1). Last evaluated 2026-06-04.

Conditions:
Kartagener syndrome (CILD1). Also called: CILIARY DYSKINESIA, PRIMARY, 1; CILIARY DYSKINESIA, PRIMARY, 1, WITH OR WITHOUT SITUS INVERSUS; IMMOTILE CILIA SYNDROME; POLYNESIAN BRONCHIECTASIS; Dextrocardia bronchiectasis and sinusitis; SIEWERT SYNDROME. Identifiers: Orphanet 244, MedGen C4551906, MONDO:0009484, OMIM 244400.
Ciliary dyskinesia, primary, 38 (CILD38). Also called: CILIARY DYSKINESIA, PRIMARY, 38, WITH OR WITHOUT SITUS INVERSUS. Identifiers: MedGen C4748052, MONDO:0054843, OMIM 618063.
Primary ciliary dyskinesia. Also called: Ciliary dyskinesia. Identifiers: Orphanet 244, MedGen C0008780, MONDO:0016575, HP:0012265.

gnomAD v4.1: 6 of 1,611,922 alleles (0.00037%); highest among the groups gnomAD compares: Non-Finnish European, 0.00042%; no homozygotes.

Submissions (3):

Department of Human Genetics, Hannover Medical School
Classification: Likely pathogenic for Kartagener syndrome. Last evaluated: 2026-06-04. Review status: criteria provided, single submitter. Criteria: ACMG Guidelines, 2015. Collection method: clinical testing. Allele origin: germline. Inheritance: Autosomal recessive inheritance. Affected: yes.
Comment: PM2 supporting, PM3 strong, PP3, PP4 moderate

Department of Human Genetics, Hannover Medical School
Classification: Uncertain significance for Primary Ciliary Dyskinesia. Last evaluated: 2026-04-01. Review status: criteria provided, single submitter. Criteria: ACMG Guidelines, 2015. Collection method: research. Allele origin: germline. Affected: yes.
Comment: Classification performed by HerediClassify using the following criteria:['PM2_supporting: Variant occures does not occur as homozygous in gnomAD.', 'PP3_splicing_supporting: Variant is predicted to have a splice effect by SpliceAI with evidence strength supporting.', 'BP4_protein_moderate: Variant is predicted to be benign by REVEL with evidence strength moderate.', "PP4_moderate: The PICADAR socre of 10.0 exceeds threshold of 8 achieving 'strong' evidence strength."]

Department of Human Genetics, Hannover Medical School
Classification: Likely pathogenic for Ciliary dyskinesia, primary, 38. Last evaluated: 2024-09-18. Review status: criteria provided, single submitter. Criteria: ACMG Guidelines, 2015. Collection method: clinical testing. Allele origin: germline. Affected: no.